The following is an entry in ClinVar:

ClinVar aggregate classification (germline): Uncertain significance. Review status: criteria provided, multiple submitters, no conflicts (2 of 4 stars). 3 submissions from 3 submitters: Uncertain significance (2). 1 of the submissions does not count toward it. Last evaluated 2024-12-13.

Conditions:
Intellectual disability, autosomal recessive 53 (NEDHSCA). Also called: GLYCOSYLPHOSPHATIDYLINOSITOL BIOSYNTHESIS DEFECT 13; Mental retardation, autosomal recessive 53; NEURODEVELOPMENTAL DISORDER WITH OR WITHOUT HYPOTONIA, SEIZURES, AND CEREBELLAR ATROPHY. Identifiers: Orphanet 488635, MedGen C4310794, MONDO:0014832, OMIM 616917.

Allele frequency attached by ClinVar (database versions not stated): gnomAD exomes 0.00001; TOPMed 0.00001; gnomAD 0.00002.
gnomAD v4.1: 21 of 1,545,846 alleles (0.0014%); highest among the groups gnomAD compares: Non-Finnish European, 0.0018%; no homozygotes.

Submissions (3):

GeneDx
Classification: Uncertain significance. Last evaluated: 2024-12-13. Review status: criteria provided, single submitter. Criteria: GeneDx Variant Classification Process June 2021. Collection method: clinical testing. Allele origin: germline. Affected: yes.
Comment: Identified with a second variant in an individual with global developmental delay, severe speech delay, moderate intellectual disability, autism, and mild hypotonia (PMID: 34113002); Not observed at significant frequency in large population cohorts (gnomAD); In silico analysis supports that this missense variant has a deleterious effect on protein structure/function; This variant is associated with the following publications: (PMID: 34113002)

Labcorp Genetics (formerly Invitae), Labcorp
Classification: Uncertain significance for Intellectual disability, autosomal recessive 53. Last evaluated: 2022-08-21. Review status: criteria provided, single submitter. Criteria: Invitae Variant Classification Sherloc (09022015). Collection method: clinical testing. Allele origin: germline.
Comment: This sequence change replaces arginine, which is basic and polar, with tryptophan, which is neutral and slightly polar, at codon 681 of the PIGG protein (p.Arg681Trp). This variant is not present in population databases (gnomAD no frequency). This missense change has been observed in individual(s) with clinical features of congenital disorder of glycosylation (PMID: 34113002). ClinVar contains an entry for this variant (Variation ID: 840107). Algorithms developed to predict the effect of missense changes on protein structure and function are either unavailable or do not agree on the potential impact of this missense change (SIFT: "Deleterious"; PolyPhen-2: "Possibly Damaging"; Align-GVGD: "Class C0"). Experimental studies have shown that this missense change affects PIGG function (PMID: 34113002). In summary, the available evidence is currently insufficient to determine the role of this variant in disease. Therefore, it has been classified as a Variant of Uncertain Significance.

OMIM
Classification: Pathogenic for NEURODEVELOPMENTAL DISORDER WITH HYPOTONIA AND WITHOUT SEIZURES AND CEREBELLAR ATROPHY. Last evaluated: 2022-04-30. Review status: no assertion criteria provided. Collection method: literature only. Allele origin: germline. Not counted in ClinVar's aggregate classification.

Literature cited by the submitters: PubMed 34113002 (cited by Labcorp Genetics (formerly Invitae), Labcorp and OMIM).

NM_001127178.3(PIGG):c.2041C>T (p.Arg681Trp)

Gene: PIGG (phosphatidylinositol glycan anchor biosynthesis class G (EMM blood group); plus strand). Cytogenetic location: 4p16.3.
Variant type: single nucleotide variant.
Coding change: c.2041C>T on transcript NM_001127178.3 (MANE Select); coding-DNA position 2041, C replaced by T.
Protein change: p.Arg681Trp; replaces arginine 681 with tryptophan.
Molecular consequence: missense variant. On other transcripts: non-coding transcript variant (6).
Genome position (GRCh38, 1-based): chr4:523,885, C>T. VCF-style: chr4-523885-C-T. GRCh37 (hg19) VCF-style: chr4-517674-C-T.
Other names: c.1774C>T, p.Arg592Trp (NM_001289051.2, NM_001345986.2); c.1642C>T, p.Arg548Trp (NM_001289052.2); c.1750C>T, p.Arg584Trp (NM_001345987.2); c.1012C>T, p.Arg338Trp (NM_001345988.2); c.508C>T, p.Arg170Trp (NM_001345990.2, NM_001345991.2); c.943C>T, p.Arg315Trp (NM_001345994.2); c.2017C>T, p.Arg673Trp (NM_017733.5); short protein forms R170W, R315W, R338W, R584W, R592W, R673W, R548W, R681W.
Identifiers: ClinVar variation 840107 (VCV000840107.8), dbSNP rs899791968, ClinGen allele CA91067300.